The following is an entry in ClinVar:

ClinVar aggregate classification (germline): Pathogenic/Likely pathogenic. Review status: criteria provided, multiple submitters, no conflicts (2 of 4 stars). 3 submissions from 3 submitters: Pathogenic (1); Likely pathogenic (2). Last evaluated 2025-09-22.

Conditions:
Lafora disease. Also called: Epilepsy progressive myoclonic 2; Progressive Myoclonus Epilepsy, Lafora Type. Identifiers: Orphanet 501, MedGen C0751783, MONDO:0009697.
Progressive myoclonic epilepsy. Also called: Myoclonus epilepsy; Progressive myoclonus epilepsy; Familial progressive myoclonic epilepsy; Myoclonic Epilepsies, Progressive. Identifiers: Orphanet 308, Orphanet 98261, MedGen C0751778, MONDO:0020074.

Allele frequency attached by ClinVar (database versions not stated): TOPMed 0.00004.
gnomAD v4.1: 41 of 1,613,866 alleles (0.0025%); highest among the groups gnomAD compares: Non-Finnish European, 0.0034%; no homozygotes.

Submissions (3):

GeneDx
Classification: Likely pathogenic. Last evaluated: 2025-09-22. Review status: criteria provided, single submitter. Criteria: GeneDx Variant Classification Process June 2021. Collection method: clinical testing. Allele origin: germline. Affected: yes.
Comment: Reported previously in an individual with Lafora disease, however no additional information was provided for this individual (PMID: 14722920); Not observed at significant frequency in large population cohorts (gnomAD); Nonsense variant predicted to result in protein truncation or nonsense mediated decay in a gene for which loss of function is a known mechanism of disease; This variant is associated with the following publications: (PMID: 25525159, Brewer2021[Case Report], 20738377, 31589614, 14722920, 31440721, 34755096)

Labcorp Genetics (formerly Invitae), Labcorp
Classification: Pathogenic for Progressive myoclonic epilepsy. Last evaluated: 2025-03-23. Review status: criteria provided, single submitter. Criteria: Invitae Variant Classification Sherloc (09022015). Collection method: clinical testing. Allele origin: germline.
Comment: This sequence change creates a premature translational stop signal (p.Trp165*) in the EPM2A gene. It is expected to result in an absent or disrupted protein product. Loss-of-function variants in EPM2A are known to be pathogenic (PMID: 20738377). This variant is present in population databases (rs781291421, gnomAD 0.006%). This premature translational stop signal has been observed in individual(s) with Lafora disease (PMID: 14722920). ClinVar contains an entry for this variant (Variation ID: 381553). Algorithms developed to predict the effect of sequence changes on RNA splicing suggest that this variant may disrupt the consensus splice site. For these reasons, this variant has been classified as Pathogenic.

Broad Center for Mendelian Genomics, Broad Institute of MIT and Harvard
Classification: Likely pathogenic for Lafora disease. Last evaluated: 2025-01-06. Review status: criteria provided, single submitter. Criteria: ACMG Guidelines, 2015. Collection method: curation. Allele origin: germline. Inheritance: Autosomal recessive inheritance.
Comment: The p.Trp165Ter variant in EPM2A has been reported in 4 individuals with Lafora disease (PMID: 14722920, 17389303, 34755096), and has been identified in 0.003% (40/1179864) of European (non-Finnish) chromosomes by the Genome Aggregation Database (gnomAD; dbSNP ID: rs781291421). Although this variant has been seen in the general population in a heterozygous state, its frequency is low enough to be consistent with a recessive carrier frequency. This variant has also been reported in ClinVar (Variation ID: 381553) and has been interpreted as likely pathogenic by GeneDx and as pathogenic by Invitae. This nonsense variant leads to a premature termination codon at position 165, which is predicted to lead to a truncated or absent protein. Loss of function of the EPM2A gene is an established disease mechanism in autosomal recessive Lafora disease. In summary, although additional studies are required to fully establish its clinical significance, this variant is likely pathogenic for autosomal recessive Lafora disease. ACMG/AMP Criteria applied: PVS1, PM2_supporting (Richards 2015).

Literature cited by the submitters: PubMed 20738377 (cited by Labcorp Genetics (formerly Invitae), Labcorp); PubMed 14722920 (cited by Labcorp Genetics (formerly Invitae), Labcorp).

NM_005670.4(EPM2A):c.495G>A (p.Trp165Ter)

Gene: EPM2A (EPM2A glucan phosphatase, laforin; minus strand). Cytogenetic location: 6q24.3.
Variant type: single nucleotide variant.
Coding change: c.495G>A on transcript NM_005670.4 (MANE Select); coding-DNA position 495, G replaced by A.
Protein change: p.Trp165Ter; replaces tryptophan 165 with a stop codon.
Molecular consequence: nonsense. On other transcripts: intron variant (1).
Genome position (GRCh38, 1-based): chr6:145,635,468, C>T on the plus strand (G>A on the coding strand, the complement: EPM2A is on the minus strand). VCF-style: chr6-145635468-C-T. GRCh37 (hg19) VCF-style: chr6-145956604-C-T.
Other names: NM_005670.4(EPM2A):c.495G>A; p.Trp165Ter; c.495G>A, p.Trp165Ter (NM_001018041.2, NM_001368130.1); c.81G>A, p.Trp27Ter (NM_001360064.2, NM_001360071.2, NM_001368131.1); c.33G>A, p.Trp11Ter (NM_001368129.2, NM_001368132.1); c.477-7775G>A (NM_001360057.2); short protein forms W165*, W27*, W11*.
Identifiers: ClinVar variation 381553 (VCV000381553.13), dbSNP rs781291421, ClinGen allele CA4035146.
Genomic context (GRCh38, chr6:145,635,468, plus strand): 5'-CCCCAATTCATGCTTCAGTTTGATGGTTACATGTTCCACCTGACGAGGGCAGCTACCCAG[C>T]CAGATATTTGGTAGAATTCTAATGAGAACATATGGAGACAACTATCACTAGTGTTGTTCT-3'